The following is an entry in ClinVar:

ClinVar aggregate classification (germline): Uncertain significance (1 of 4 stars; one submission).

Submission:

GeneDx
Classification: Uncertain significance. Last evaluated: 2024-04-23. Review status: criteria provided, single submitter. Criteria: GeneDx Variant Classification Process June 2021. Collection method: clinical testing. Allele origin: germline. Affected: yes.
Comment: Not observed at significant frequency in large population cohorts (gnomAD); In silico analysis supports that this missense variant has a deleterious effect on protein structure/function; Has not been previously published as pathogenic or benign to our knowledge

NM_003072.5(SMARCA4):c.3883G>A (p.Glu1295Lys)

Gene: SMARCA4 (SWI/SNF related BAF chromatin remodeling complex subunit ATPase 4; plus strand). Cytogenetic location: 19p13.2.
Variant type: single nucleotide variant.
Coding change: c.3883G>A on transcript NM_003072.5 (MANE Select); coding-DNA position 3883, G replaced by A.
Protein change: p.Glu1295Lys; replaces glutamic acid 1295 with lysine.
Molecular consequence: missense variant. On other transcripts: non-coding transcript variant (1).
Genome position (GRCh38, 1-based): chr19:11,034,132, G>A. VCF-style: chr19-11034132-G-A. GRCh37 (hg19) VCF-style: chr19-11144808-G-A.
Other names: c.3883G>A, p.Glu1295Lys (NM_001128844.3, NM_001128849.3, NM_001387283.1); c.3784G>A, p.Glu1262Lys (NM_001128845.2, NM_001128846.2, NM_001128847.4 and 3 more transcripts); short protein forms E1262K, E1295K.
Identifiers: ClinVar variation 3372929 (VCV003372929.1).